The following is an entry in ClinVar:

ClinVar aggregate classification (germline): Uncertain significance (1 of 4 stars; one submission).

Conditions:
Facioscapulohumeral muscular dystrophy 2 (FSHD2). Also called: MUSCULAR DYSTROPHY, FACIOSCAPULOHUMERAL, TYPE 1B; FACIOSCAPULOHUMERAL MUSCULAR DYSTROPHY 2, DIGENIC; FSHD2, DIGENIC. Identifiers: Orphanet 269, MedGen C1834671, MONDO:0008031, OMIM 158901.

Allele frequency attached by ClinVar (database versions not stated): gnomAD 0.00001; TOPMed 0.00002.
gnomAD v4.1: 6 of 1,440,168 alleles (0.00042%); highest among the groups gnomAD compares: Non-Finnish European, 0.00055%; no homozygotes.

Submission:

Labcorp Genetics (formerly Invitae), Labcorp
Classification: Uncertain significance for Facioscapulohumeral muscular dystrophy 2. Last evaluated: 2025-06-03. Review status: criteria provided, single submitter. Criteria: Invitae Variant Classification Sherloc (09022015). Collection method: clinical testing. Allele origin: germline.
Comment: This sequence change replaces alanine, which is neutral and non-polar, with aspartic acid, which is acidic and polar, at codon 12 of the SMCHD1 protein (p.Ala12Asp). The frequency data for this variant in the population databases is considered unreliable, as metrics indicate poor data quality at this position in the gnomAD database. This variant has not been reported in the literature in individuals affected with SMCHD1-related conditions. ClinVar contains an entry for this variant (Variation ID: 1363182). Experimental studies and prediction algorithms are not available or were not evaluated, and the functional significance of this variant is currently unknown. In summary, the available evidence is currently insufficient to determine the role of this variant in disease. Therefore, it has been classified as a Variant of Uncertain Significance.

NM_015295.3(SMCHD1):c.35C>A (p.Ala12Asp)

Gene: SMCHD1 (structural maintenance of chromosomes flexible hinge domain containing 1; plus strand). Cytogenetic location: 18p11.32.
Variant type: single nucleotide variant.
Coding change: c.35C>A on transcript NM_015295.3 (MANE Select); coding-DNA position 35, C replaced by A.
Protein change: p.Ala12Asp; replaces alanine 12 with aspartic acid.
Molecular consequence: missense variant.
Genome position (GRCh38, 1-based): chr18:2,656,110, C>A. VCF-style: chr18-2656110-C-A. GRCh37 (hg19) VCF-style: chr18-2656109-C-A.
Other names: short protein forms A12D.
Identifiers: ClinVar variation 1363182 (VCV001363182.8), dbSNP rs955025983, ClinGen allele CA295452800.